The following is an entry in ClinVar:

ClinVar aggregate classification (germline): Uncertain significance (1 of 4 stars; one submission).

Submission:

GeneDx
Classification: Uncertain significance. Last evaluated: 2023-01-09. Review status: criteria provided, single submitter. Criteria: GeneDx Variant Classification Process June 2021. Collection method: clinical testing. Allele origin: germline. Affected: yes.
Comment: Not observed at significant frequency in large population cohorts (gnomAD); In silico analysis supports that this missense variant has a deleterious effect on protein structure/function; Has not been previously published as pathogenic or benign to our knowledge

NM_014991.6(WDFY3):c.3062G>T (p.Arg1021Met)

Gene: WDFY3 (WD repeat and FYVE domain containing 3; minus strand). Cytogenetic location: 4q21.23.
Variant type: single nucleotide variant.
Coding change: c.3062G>T on transcript NM_014991.6 (MANE Select); coding-DNA position 3062, G replaced by T.
Protein change: p.Arg1021Met; replaces arginine 1021 with methionine.
Molecular consequence: missense variant.
Genome position (GRCh38, 1-based): chr4:84,796,626, C>A on the plus strand (G>T on the coding strand, the complement: WDFY3 is on the minus strand). VCF-style: chr4-84796626-C-A. GRCh37 (hg19) VCF-style: chr4-85717779-C-A.
Other names: short protein forms R1021M.
Identifiers: ClinVar variation 2571681 (VCV002571681.1), dbSNP rs2533797459, ClinGen allele CA357561823.